The following is an entry in ClinVar:

NM_007348.4(ATF6):c.1719+7701T>C

Gene: ATF6 (activating transcription factor 6; plus strand). Cytogenetic location: 1q23.3.
Variant type: single nucleotide variant.
Coding change: c.1719+7701T>C on transcript NM_007348.4 (MANE Select); 7701 bases into the intron after coding-DNA position 1719, T replaced by C.
Molecular consequence: intron variant.
Genome position (GRCh38, 1-based): chr1:161,871,013, T>C. VCF-style: chr1-161871013-T-C. GRCh37 (hg19) VCF-style: chr1-161840803-T-C.
Other names: c.1716+7701T>C (NM_001410890.1).
Identifiers: ClinVar variation 3389431 (VCV003389431.14).
Genomic context (GRCh38, chr1:161,871,013, plus strand): 5'-TTTAATCTCCCCTTTTCAGGTTGTATGCTTTCTCTGTGCAGGGATAAAGTCTATTCATTC[T>C]GTTTTGTCTTTTACAAGATCTATTGCAATGCATTGCAGGCTCGGCAGAGTAAGTCCTAAA-3'

ClinVar aggregate classification (germline): Likely benign (1 of 4 stars; one submission).

gnomAD v4.1: 407 of 151,880 alleles (0.27%); highest among the groups gnomAD compares: African/African-American, 0.91%; 3 homozygotes.

Submission:

CeGaT Center for Human Genetics Tuebingen
Classification: Likely benign. Last evaluated: 2024-09-01. Review status: criteria provided, single submitter. Criteria: CeGaT Center For Human Genetics Tuebingen Variant Classification Criteria Version 2. Collection method: clinical testing. Allele origin: germline. Affected: yes. Observed: 1 variant allele.
Comment: ATF6: BS2